The following is an entry in ClinVar:

NM_001367561.1(DOCK7):c.3976C>T (p.Arg1326Ter)

Gene: DOCK7 (dedicator of cytokinesis 7; minus strand). Cytogenetic location: 1p31.3.
Variant type: single nucleotide variant.
Coding change: c.3976C>T on transcript NM_001367561.1 (MANE Select); coding-DNA position 3976, C replaced by T.
Protein change: p.Arg1326Ter; replaces arginine 1326 with a stop codon.
Molecular consequence: nonsense.
Genome position (GRCh38, 1-based): chr1:62,513,859, G>A on the plus strand (C>T on the coding strand, the complement: DOCK7 is on the minus strand). VCF-style: chr1-62513859-G-A. GRCh37 (hg19) VCF-style: chr1-62979530-G-A.
Other names: c.3976C>T, p.Arg1326Ter (NM_001271999.2, NM_001330614.2); c.3883C>T, p.Arg1295Ter (NM_001272000.2, NM_001272001.2, NM_033407.4); short protein forms R1295*, R1326*.
Identifiers: ClinVar variation 837527 (VCV000837527.6), dbSNP rs756535975, ClinGen allele CA885826.

ClinVar aggregate classification (germline): Pathogenic (1 of 4 stars; one submission).

Conditions:
Developmental and epileptic encephalopathy, 23 (DEE23). Also called: Epileptic encephalopathy, early infantile, 23. Identifiers: Orphanet 411986, MedGen C4014492, MONDO:0014371, OMIM 615859.

Allele frequency attached by ClinVar (database versions not stated): gnomAD exomes below 0.00001; ExAC 0.00001.
gnomAD v4.1: 4 of 1,613,914 alleles (0.00025%); highest among the groups gnomAD compares: Non-Finnish European, 0.00025%; no homozygotes.

Submission:

Labcorp Genetics (formerly Invitae), Labcorp
Classification: Pathogenic for Developmental and epileptic encephalopathy, 23. Last evaluated: 2022-11-08. Review status: criteria provided, single submitter. Criteria: Invitae Variant Classification Sherloc (09022015). Collection method: clinical testing. Allele origin: germline.
Comment: For these reasons, this variant has been classified as Pathogenic. This sequence change creates a premature translational stop signal (p.Arg1326*) in the DOCK7 gene. It is expected to result in an absent or disrupted protein product. Loss-of-function variants in DOCK7 are known to be pathogenic (PMID: 24814191). This variant is present in population databases (rs756535975, gnomAD 0.0009%). This variant has not been reported in the literature in individuals affected with DOCK7-related conditions. ClinVar contains an entry for this variant (Variation ID: 837527).

Literature cited by the submitters: PubMed 24814191.